The following is an entry in ClinVar:

NM_001378454.1(ALMS1):c.1A>C (p.Met1Leu)

Gene: ALMS1 (ALMS1 centrosome and basal body associated protein; plus strand). Cytogenetic location: 2p13.1.
Variant type: single nucleotide variant.
Coding change: c.1A>C on transcript NM_001378454.1 (MANE Select); coding-DNA position 1, A replaced by C.
Protein change: p.Met1Leu; changes the start codon (methionine 1).
Molecular consequence: missense variant, initiator codon variant.
Genome position (GRCh38, 1-based): chr2:73,385,869, A>C. VCF-style: chr2-73385869-A-C. GRCh37 (hg19) VCF-style: chr2-73612997-A-C.
Other names: c.1A>C, p.Met1Leu (NM_015120.4); short protein forms M1L.
Identifiers: ClinVar variation 2193655 (VCV002193655.4), dbSNP rs1429891881, ClinGen allele CA347250315.

ClinVar aggregate classification (germline): Conflicting classifications of pathogenicity. Review status: criteria provided, conflicting classifications (1 of 4 stars). 3 submissions from 3 submitters: Likely pathogenic (1); Uncertain significance (2). Last evaluated 2025-09-07.

Conditions:
Alstrom syndrome (ALMS). Identifiers: Orphanet 64, MedGen C0268425, MONDO:0008763, OMIM 203800.

Submissions (3):

Natera, Inc.
Classification: Likely pathogenic for Alstrom syndrome. Last evaluated: 2025-09-07. Review status: criteria provided, single submitter. Criteria: Natera Variant Classification Schema (03/2026). Collection method: clinical testing. Allele origin: germline.
Comment: The c.1A>C variant in ALMS1 is predicted to result in start loss due to disruption of the initiator methionine. This variant is expected to result in nonsense mediated decay, truncation, or a dysfunctional protein product. This variant is rare in the general population with a frequency below the threshold expected for the associated phenotype(s). Given the available evidence, this variant is classified as Likely Pathogenic.

Department of Pathology and Laboratory Medicine, Sinai Health System
Classification: Uncertain significance for Alstrom syndrome. Last evaluated: 2023-03-01. Review status: criteria provided, single submitter. Criteria: ACMG Guidelines, 2015. Collection method: research. Allele origin: germline.

Labcorp Genetics (formerly Invitae), Labcorp
Classification: Uncertain significance for Alstrom syndrome. Last evaluated: 2022-11-02. Review status: criteria provided, single submitter. Criteria: Invitae Variant Classification Sherloc (09022015). Collection method: clinical testing. Allele origin: germline.
Comment: This sequence change affects the initiator methionine of the ALMS1 mRNA. The next in-frame methionine is located at codon 163. This variant is present in population databases (no rsID available, gnomAD 0.004%). This variant has not been reported in the literature in individuals affected with ALMS1-related conditions. Experimental studies and prediction algorithms are not available or were not evaluated, and the functional significance of this variant is currently unknown. In summary, the available evidence is currently insufficient to determine the role of this variant in disease. Therefore, it has been classified as a Variant of Uncertain Significance.